The following is an entry in ClinVar:

NM_000535.6(PMS2):c.-49C>T

Gene: PMS2 (PMS1 homolog 2, mismatch repair system component; minus strand). Cytogenetic location: 7p22.1.
Variant type: single nucleotide variant.
Coding change: c.-49C>T on transcript NM_000535.6; 49 bases upstream of the start codon, C replaced by T.
Molecular consequence: non-coding transcript variant (on NR_136154.1).
Genome position (GRCh38, 1-based): chr7:6,009,068, G>A on the plus strand (C>T on the coding strand, the complement: PMS2 is on the minus strand). VCF-style: chr7-6009068-G-A. GRCh37 (hg19) VCF-style: chr7-6048699-G-A.
Other names: c.-49C>T (NM_000535.5).
Identifiers: ClinVar variation 379160 (VCV000379160.4), dbSNP rs952806552, ClinGen allele CA16605142.

ClinVar aggregate classification (germline): Likely benign. Review status: criteria provided, multiple submitters, no conflicts (2 of 4 stars). 2 submissions from 2 submitters: Likely benign (2). Last evaluated 2023-07-07.

Conditions:
Lynch syndrome 4 (LYNCH4). Also called: Colorectal cancer, hereditary nonpolyposis, type 4; Hereditary non-polyposis colorectal cancer, type 4. Identifiers: Orphanet 144, MedGen C1838333, MONDO:0013699, OMIM 614337. Disease mechanism: loss of function.

Allele frequency attached by ClinVar (database versions not stated): TOPMed 0.00003.
gnomAD v4.1: 6 of 1,600,792 alleles (0.00037%); highest among the groups gnomAD compares: Admixed American, 0.0017%; no homozygotes.

Submissions (2):

KCCC/NGS Laboratory, Kuwait Cancer Control Center
Classification: Likely benign for Lynch syndrome 4. Last evaluated: 2023-07-07. Review status: criteria provided, single submitter. Criteria: ACMG Guidelines, 2015. Collection method: clinical testing. Allele origin: germline. Affected: yes.

GeneDx
Classification: Likely benign. Last evaluated: 2017-03-13. Review status: criteria provided, single submitter. Criteria: GeneDx Variant Classification (06012015). Collection method: clinical testing. Allele origin: germline. Affected: yes.
Comment: This variant is considered likely benign or benign based on one or more of the following criteria: it is a conservative change, it occurs at a poorly conserved position in the protein, it is predicted to be benign by multiple in silico algorithms, and/or has population frequency not consistent with disease.